The following is an entry in ClinVar:

NM_000090.4(COL3A1):c.1835G>C (p.Gly612Ala)

Gene: COL3A1 (collagen type III alpha 1 chain; plus strand). Cytogenetic location: 2q32.2.
Variant type: single nucleotide variant.
Coding change: c.1835G>C on transcript NM_000090.4 (MANE Select); coding-DNA position 1835, G replaced by C.
Protein change: p.Gly612Ala; replaces glycine 612 with alanine.
Molecular consequence: missense variant.
Genome position (GRCh38, 1-based): chr2:188,997,355, G>C. VCF-style: chr2-188997355-G-C. GRCh37 (hg19) VCF-style: chr2-189862081-G-C.
Other names: short protein forms G612A.
Identifiers: ClinVar variation 3666960 (VCV003666960.5).
Genomic context (GRCh38, chr2:188,997,355, plus strand): 5'-ATCTGTATTATTTCTACTTCCCTAACTGTTCTTGTTTTTAGGGTCCTCCTGGAAAGAATG[G>C]TGAAACTGGACCTCAGGGACCCCCAGGGCCTACTGTAAGTTCACTCATATAAAATTGGAG-3'
Protein context (NP_000081.2, residues 602-622): PGPQGPPGKN[Gly612Ala]ETGPQGPPGP

ClinVar aggregate classification (germline): Likely pathogenic. Review status: criteria provided, multiple submitters, no conflicts (2 of 4 stars). 3 submissions from 3 submitters: Likely pathogenic (3). Last evaluated 2026-01-20.

Conditions:
Ehlers-Danlos syndrome, type 4 (EDSVASC). Also called: Ehlers-Danlos syndrome vascular type; Ehlers Danlos syndrome, ecchymotic type; Ehlers Danlos syndrome, arterial type; Ehlers Danlos syndrome, Sack-Barabas type; Ehlers-Danlos Syndrome Type IV. Identifiers: Orphanet 286, MedGen C0268338, MONDO:0017314, OMIM 130050.

gnomAD v4.1: 6 of 1,613,792 alleles (0.00037%); highest among the groups gnomAD compares: African/African-American, 0.008%; no homozygotes.

Submissions (3):

Variantyx, Inc.
Classification: Likely pathogenic for Ehlers-Danlos syndrome, type 4. Last evaluated: 2026-01-20. Review status: criteria provided, single submitter. Criteria: Variantyx Assertion Criteria 2022. Collection method: clinical testing. Allele origin: germline. Inheritance: Autosomal dominant inheritance. Affected: yes.
Comment: This is a nonsynonymous variant in the COL3A1 gene (OMIM: 120180). Pathogenic variants in this gene have been associated with autosomal dominant vascular-type Ehlers-Danlos syndrome. This variant leads to a glycine substitution in the repetitive Gly-X-Y sequence of the triple helix domain of the COL3A1 protein, which is a known disease mechanism in many collagenopathies (PMID: 25776230, 25758994, 30474650) (PM1_Strong). Multiple computational algorithms predict a deleterious effect for this variant (REVEL score: 0.931) (PP3). This variant has a 0.0080% maximum allele frequency in non-founder control populations. Based on the current evidence, this variant is classified as likely pathogenic for autosomal dominant vascular-type Ehlers-Danlos syndrome.

GeneDx
Classification: Likely pathogenic. Last evaluated: 2025-11-21. Review status: criteria provided, single submitter. Criteria: GeneDx Variant Classification Process June 2021. Collection method: clinical testing. Allele origin: germline.
Comment: Occurs in the triple helical domain and replaces the glycine in the canonical Gly-X-Y repeat; missense substitution of a canonical glycine residue is expected to disrupt normal protein folding and function, and this is an established mechanism of disease (HGMD); Not observed at significant frequency in large population cohorts (gnomAD); In silico analysis supports that this missense variant has a deleterious effect on protein structure/function; Has not been previously published as pathogenic or benign to our knowledge; This variant is associated with the following publications: (PMID: 9036918, 10706896)

Labcorp Genetics (formerly Invitae), Labcorp
Classification: Likely pathogenic for Ehlers-Danlos syndrome, type 4. Last evaluated: 2024-11-04. Review status: criteria provided, single submitter. Criteria: Invitae Variant Classification Sherloc (09022015). Collection method: clinical testing. Allele origin: germline.
Comment: This sequence change replaces glycine, which is neutral and non-polar, with alanine, which is neutral and non-polar, at codon 612 of the COL3A1 protein (p.Gly612Ala). This variant is present in population databases (rs779858998, gnomAD 0.01%). This variant has not been reported in the literature in individuals affected with COL3A1-related conditions. Invitae Evidence Modeling of protein sequence and biophysical properties (such as structural, functional, and spatial information, amino acid conservation, physicochemical variation, residue mobility, and thermodynamic stability) indicates that this missense variant is expected to disrupt COL3A1 protein function with a positive predictive value of 95%. This variant disrupts the triple helix domain of COL3A1. Glycine residues within the Gly-Xaa-Yaa repeats of the triple helix domain are required for the structure and stability of fibrillar collagens (PMID: 7695699, 8218237, 19344236). In COL3A1, variants that affect these glycine residues are significantly enriched in individuals with disease (PMID: 24922459, 25758994) compared to the general population (ExAC). In summary, the currently available evidence indicates that the variant is pathogenic, but additional data are needed to prove that conclusively. Therefore, this variant has been classified as Likely Pathogenic.

Literature cited by the submitters: PubMed 31075413 (cited by Variantyx, Inc.); PubMed 25776230 (cited by Variantyx, Inc.); PubMed 25758994 (cited by Variantyx, Inc. and Labcorp Genetics (formerly Invitae), Labcorp); PubMed 7695699 (cited by Labcorp Genetics (formerly Invitae), Labcorp); PubMed 8218237 (cited by Labcorp Genetics (formerly Invitae), Labcorp); PubMed 19344236 (cited by Labcorp Genetics (formerly Invitae), Labcorp); PubMed 24922459 (cited by Labcorp Genetics (formerly Invitae), Labcorp).